The following is an entry in ClinVar:

NM_002834.5(PTPN11):c.301C>T (p.Pro101Ser)

Gene: PTPN11 (protein tyrosine phosphatase non-receptor type 11; plus strand). Cytogenetic location: 12q24.13.
Variant type: single nucleotide variant.
Coding change: c.301C>T on transcript NM_002834.5 (MANE Select); coding-DNA position 301, C replaced by T.
Protein change: p.Pro101Ser; replaces proline 101 with serine.
Molecular consequence: missense variant.
Genome position (GRCh38, 1-based): chr12:112,450,481, C>T. VCF-style: chr12-112450481-C-T. GRCh37 (hg19) VCF-style: chr12-112888285-C-T.
Other names: c.301C>T, p.Pro101Ser (NM_001330437.2, NM_080601.3); c.298C>T, p.Pro100Ser (NM_001374625.1); short protein forms P100S, P101S.
Identifiers: ClinVar variation 2501368 (VCV002501368.3), dbSNP rs747470140, ClinGen allele CA386778322.

ClinVar aggregate classification (germline): Uncertain significance. Review status: criteria provided, multiple submitters, no conflicts (2 of 4 stars). 2 submissions from 2 submitters: Uncertain significance (2). Last evaluated 2025-02-25.

Allele frequency attached by ClinVar (database versions not stated): TOPMed below 0.00001; gnomAD exomes below 0.00001.
gnomAD v4.1: 2 of 1,614,010 alleles (0.00012%); highest among the groups gnomAD compares: Non-Finnish European, 0.00017%; no homozygotes.

Submissions (2):

ARUP Laboratories, Molecular Genetics and Genomics, ARUP Laboratories
Classification: Uncertain significance. Last evaluated: 2025-02-25. Review status: criteria provided, single submitter. Criteria: ARUP Molecular Germline Variant Investigation Process 2024. Collection method: clinical testing. Allele origin: germline.
Comment: The PTPN11 c.301C>T; p.Pro101Ser variant (rs747470140), to our knowledge, is not reported in the medical literature but is reported in ClinVar (Variation ID: 2501368). This variant is absent from the Genome Aggregation Database (v2.1.1), indicating it is not a common polymorphism. Computational analyses predict that this variant is deleterious (REVEL: 0.873). Due to limited information, the clinical significance of this variant is uncertain at this time.

GeneDx
Classification: Uncertain significance. Last evaluated: 2024-04-19. Review status: criteria provided, single submitter. Criteria: GeneDx Variant Classification Process June 2021. Collection method: clinical testing. Allele origin: germline. Affected: yes.
Comment: Not observed at significant frequency in large population cohorts (gnomAD); In silico analysis supports that this missense variant has a deleterious effect on protein structure/function; Missense variants in this gene are often considered pathogenic (HGMD); Has not been previously published as pathogenic or benign to our knowledge